The following is an entry in ClinVar:

NM_020975.6(RET):c.2062T>G (p.Ser688Ala)

Gene: RET (ret proto-oncogene; plus strand). Cytogenetic location: 10q11.21.
Variant type: single nucleotide variant.
Coding change: c.2062T>G on transcript NM_020975.6 (MANE Select); coding-DNA position 2062, T replaced by G.
Protein change: p.Ser688Ala; replaces serine 688 with alanine.
Molecular consequence: missense variant.
Genome position (GRCh38, 1-based): chr10:43,114,662, T>G. VCF-style: chr10-43114662-T-G. GRCh37 (hg19) VCF-style: chr10-43610110-T-G.
Other names: c.2062T>G, p.Ser688Ala (NM_000323.2, NM_001406743.1, NM_001406744.1 and 4 more transcripts); c.1300T>G, p.Ser434Ala (NM_001355216.2); c.1933T>G, p.Ser645Ala (NM_001406761.1, NM_001406762.1, NM_001406764.1); c.1927T>G, p.Ser643Ala (NM_001406763.1, NM_001406765.1); c.1774T>G, p.Ser592Ala (NM_001406766.1, NM_001406767.1, NM_001406770.1); c.1798T>G, p.Ser600Ala (NM_001406768.1); c.1666T>G, p.Ser556Ala (NM_001406769.1, NM_001406772.1); c.1624T>G, p.Ser542Ala (NM_001406771.1, NM_001406773.1); and 10 more; short protein forms S205A, S253A, S293A, S344A, S346A, S349A, S358A, S389A.
Identifiers: ClinVar variation 1718467 (VCV001718467.5), dbSNP rs750681372, ClinGen allele CA376553236.

ClinVar aggregate classification (germline): Uncertain significance (1 of 4 stars; one submission).

Conditions:
Multiple endocrine neoplasia, type 2 (MEN2). Identifiers: Orphanet 653, MedGen C4048306, MONDO:0019003. Disease mechanism: gain of function.

Submission:

Labcorp Genetics (formerly Invitae), Labcorp
Classification: Uncertain significance for Multiple endocrine neoplasia, type 2. Last evaluated: 2022-08-31. Review status: criteria provided, single submitter. Criteria: Invitae Variant Classification Sherloc (09022015). Collection method: clinical testing. Allele origin: germline.
Comment: In summary, the available evidence is currently insufficient to determine the role of this variant in disease. Therefore, it has been classified as a Variant of Uncertain Significance. Algorithms developed to predict the effect of missense changes on protein structure and function (SIFT, PolyPhen-2, Align-GVGD) all suggest that this variant is likely to be tolerated. This variant has not been reported in the literature in individuals affected with RET-related conditions. This variant is not present in population databases (gnomAD no frequency). This sequence change replaces serine, which is neutral and polar, with alanine, which is neutral and non-polar, at codon 688 of the RET protein (p.Ser688Ala).